The following is an entry in ClinVar:

NM_006618.5(KDM5B):c.2251C>T (p.Arg751Ter)

Gene: KDM5B (lysine demethylase 5B; minus strand). Cytogenetic location: 1q32.1.
Variant type: single nucleotide variant.
Coding change: c.2251C>T on transcript NM_006618.5 (MANE Select); coding-DNA position 2251, C replaced by T.
Protein change: p.Arg751Ter; replaces arginine 751 with a stop codon.
Molecular consequence: nonsense.
Genome position (GRCh38, 1-based): chr1:202,745,930, G>A on the plus strand (C>T on the coding strand, the complement: KDM5B is on the minus strand). VCF-style: chr1-202745930-G-A. GRCh37 (hg19) VCF-style: chr1-202715058-G-A.
Other names: c.2359C>T, p.Arg787Ter (NM_001314042.2); c.2116C>T, p.Arg706Ter (NM_001347591.2); c.2236C>T, p.Arg746Ter (NM_001399817.1); c.2251C>T (NM_006618.4); short protein forms R706*, R751*, R787*, R746*.
Identifiers: ClinVar variation 1184541 (VCV001184541.5), dbSNP rs1287727763, ClinGen allele CA344266165.
Genomic context (GRCh38, chr1:202,745,930, plus strand): 5'-TGATCTTTGCCTCCAAAGCTTCATTCACATTCAAGGCCCATTCGTTGTAAGATTCTGCTC[G>A]AAGCTTCAATGCATTCATCATAGGGTAGAGATCATCCAGCGTGTACCTATACCTGGAAAT-3'

ClinVar aggregate classification (germline): Likely pathogenic. Review status: criteria provided, single submitter (1 of 4 stars). 3 submissions from 3 submitters: Likely pathogenic (1). 2 of the submissions do not count toward it. Last evaluated 2022-04-19.

Conditions:
Intellectual developmental disorder, autosomal recessive 65. Also called: Intellectual disability, autosomal recessive 65; MENTAL RETARDATION, AUTOSOMAL RECESSIVE 65. Identifiers: MedGen C4748219, MONDO:0020850, OMIM 618109.
KDM5B-related disorder. Also called: KDM5B-related condition.

Allele frequency attached by ClinVar (database versions not stated): gnomAD 0.00001; gnomAD exomes 0.00001.
gnomAD v4.1: 10 of 1,613,672 alleles (0.00062%); highest among the groups gnomAD compares: African/African-American, 0.0013%; no homozygotes.

Submissions (3):

GeneDx
Classification: Likely pathogenic. Last evaluated: 2022-04-19. Review status: criteria provided, single submitter. Criteria: GeneDx Variant Classification Process June 2021. Collection method: clinical testing. Allele origin: germline. Affected: yes.
Comment: Observed in probands with developmental delay (Faundes V et al., 2018); Nonsense variant predicted to result in protein truncation or nonsense mediated decay in a gene for which loss-of-function is a known mechanism of disease; Not observed at significant frequency in large population cohorts (gnomAD); This variant is associated with the following publications: (PMID: 30217758, 28135719, 31785789, 29276005)

PreventionGenetics, part of Exact Sciences
Classification: Likely pathogenic for KDM5B-related condition. Last evaluated: 2024-04-12. Review status: no assertion criteria provided. Collection method: clinical testing. Allele origin: germline. Not counted in ClinVar's aggregate classification.
Comment: The KDM5B c.2251C>T variant is predicted to result in premature protein termination (p.Arg751*). This variant has been repeatedly reported as de novo in individuals with intellectual disability and developmental delay phenotypes (Table S5, Faundes et al. 2018. PubMed ID: 29276005; Table S2, Turner et al. 2019. PubMed ID: 31785789). This variant is reported in 0.011% of alleles in individuals of African descent in gnomAD. Nonsense variants in KDM5B are expected to be pathogenic. This variant is interpreted as likely pathogenic.

Genomics England Pilot Project, Genomics England
Classification: Likely pathogenic for Intellectual developmental disorder, autosomal recessive 65. Review status: no assertion criteria provided. Criteria: ACGS Guidelines, 2016. Collection method: clinical testing. Allele origin: germline. Affected: yes. Not counted in ClinVar's aggregate classification.